The following is an entry in ClinVar:

ClinVar aggregate classification (germline): Uncertain significance (1 of 4 stars; one submission).

Conditions:
Agammaglobulinemia 7, autosomal recessive (AGM7). Also called: AGAMMAGLOBULINEMIA, AUTOSOMAL RECESSIVE, DUE TO PIK3R1 DEFECT. Identifiers: MedGen C3554689, MONDO:0014083, OMIM 615214.
SHORT syndrome. Also called: PIK3R1-Related SHORT Syndrome; LIPODYSTROPHY, PARTIAL, WITH RIEGER ANOMALY AND SHORT STATURE; SHORT STATURE, HYPEREXTENSIBILITY, HERNIA, OCULAR DEPRESSION, RIEGER ANOMALY, AND TEETHING DELAY. Identifiers: Orphanet 3163, MedGen C0878684, MONDO:0010026, OMIM 269880.
Immunodeficiency 36 with lymphoproliferation. Also called: Activated PI3K Delta Syndrome Type 2 (APDS2); Immunodeficiency 36; ACTIVATED PI3K-DELTA SYNDROME 2. Identifiers: Orphanet 397596, Orphanet 693681, MedGen C4014934, MONDO:0014453, OMIM 616005.

Allele frequency attached by ClinVar (database versions not stated): ESP Exome Variant Server 0.00008.
gnomAD v4.1: 16 of 1,606,460 alleles (0.001%); highest among the groups gnomAD compares: African/African-American, 0.008%; no homozygotes.

Submission:

Labcorp Genetics (formerly Invitae), Labcorp
Classification: Uncertain significance for SHORT syndrome; Immunodeficiency 36 with lymphoproliferation; Agammaglobulinemia 7, autosomal recessive. Last evaluated: 2024-10-12. Review status: criteria provided, single submitter. Criteria: Invitae Variant Classification Sherloc (09022015). Collection method: clinical testing. Allele origin: germline.
Comment: This sequence change replaces lysine, which is basic and polar, with arginine, which is basic and polar, at codon 430 of the PIK3R1 protein (p.Lys430Arg). This variant is present in population databases (rs188617536, gnomAD 0.007%). This variant has not been reported in the literature in individuals affected with PIK3R1-related conditions. ClinVar contains an entry for this variant (Variation ID: 2201248). Invitae Evidence Modeling of protein sequence and biophysical properties (such as structural, functional, and spatial information, amino acid conservation, physicochemical variation, residue mobility, and thermodynamic stability) indicates that this missense variant is not expected to disrupt PIK3R1 protein function with a negative predictive value of 80%. In summary, the available evidence is currently insufficient to determine the role of this variant in disease. Therefore, it has been classified as a Variant of Uncertain Significance.

NM_181523.3(PIK3R1):c.1289A>G (p.Lys430Arg)

Gene: PIK3R1 (phosphoinositide-3-kinase regulatory subunit 1; plus strand). Cytogenetic location: 5q13.1.
Variant type: single nucleotide variant.
Coding change: c.1289A>G on transcript NM_181523.3 (MANE Select); coding-DNA position 1289, A replaced by G.
Protein change: p.Lys430Arg; replaces lysine 430 with arginine.
Molecular consequence: missense variant.
Genome position (GRCh38, 1-based): chr5:68,293,473, A>G. VCF-style: chr5-68293473-A-G. GRCh37 (hg19) VCF-style: chr5-67589301-A-G.
Other names: c.200A>G, p.Lys67Arg (NM_001242466.2); c.479A>G, p.Lys160Arg (NM_181504.4); c.389A>G, p.Lys130Arg (NM_181524.2); short protein forms K130R, K430R, K67R, K160R.
Identifiers: ClinVar variation 2201248 (VCV002201248.4), dbSNP rs188617536, ClinGen allele CA3290355.